The following is an entry in ClinVar:

NM_020971.3(SPTBN4):c.4425G>A (p.Ala1475=)

Gene: SPTBN4 (spectrin beta, non-erythrocytic 4; plus strand). Cytogenetic location: 19q13.2.
Variant type: single nucleotide variant.
Coding change: c.4425G>A on transcript NM_020971.3 (MANE Select); coding-DNA position 4425, G replaced by A.
Protein change: p.Ala1475=; no amino-acid change (alanine 1475 retained).
Molecular consequence: synonymous variant.
Genome position (GRCh38, 1-based): chr19:40,549,254, G>A. VCF-style: chr19-40549254-G-A. GRCh37 (hg19) VCF-style: chr19-41055160-G-A.
Other names: c.4425G>A (NM_020971.2); c.453G>A, p.Ala151= (NM_025213.3).
Identifiers: ClinVar variation 2649901 (VCV002649901.26), dbSNP rs374772742, ClinGen allele CA9446243.

ClinVar aggregate classification (germline): Benign/Likely benign. Review status: criteria provided, multiple submitters, no conflicts (2 of 4 stars). 3 submissions from 3 submitters: Benign (1); Likely benign (1). 1 of the submissions does not count toward it. Last evaluated 2024-11-13.

Conditions:
SPTBN4-related disorder. Also called: SPTBN4-related condition.

Allele frequency attached by ClinVar (database versions not stated): ESP Exome Variant Server 0.00045; gnomAD 0.00129; 1000 Genomes Project 30x 0.00312; 1000 Genomes Project 0.00379; ExAC 0.00903.

Submissions (3):

Blueprint Genetics
Classification: Likely benign. Last evaluated: 2024-11-13. Review status: criteria provided, single submitter. Criteria: ACMG Guidelines, 2015. Collection method: clinical testing. Allele origin: germline.

CeGaT Center for Human Genetics Tuebingen
Classification: Benign. Last evaluated: 2024-11-01. Review status: criteria provided, single submitter. Criteria: CeGaT Center For Human Genetics Tuebingen Variant Classification Criteria Version 2. Collection method: clinical testing. Allele origin: germline. Affected: yes. Observed: 4 variant alleles.
Comment: SPTBN4: BP4, BP7, BS1, BS2

PreventionGenetics, part of Exact Sciences
Classification: Benign for SPTBN4-related condition. Last evaluated: 2019-05-07. Review status: no assertion criteria provided. Collection method: clinical testing. Allele origin: germline. Not counted in ClinVar's aggregate classification.
Comment: This variant is classified as benign based on ACMG/AMP sequence variant interpretation guidelines (Richards et al. 2015 PMID: 25741868, with internal and published modifications).